The following is an entry in ClinVar:

ClinVar aggregate classification (germline): Uncertain significance (1 of 4 stars; one submission).

Conditions:
Cardiovascular phenotype. Identifiers: MedGen CN230736.

Submission:

Ambry Genetics
Classification: Uncertain significance for Cardiovascular phenotype. Last evaluated: 2024-03-15. Review status: criteria provided, single submitter. Criteria: Ambry Variant Classification Scheme 2023. Collection method: clinical testing. Allele origin: germline.
Comment: The p.A809T variant (also known as c.2425G>A), located in coding exon 15 of the DSG2 gene, results from a G to A substitution at nucleotide position 2425. The alanine at codon 809 is replaced by threonine, an amino acid with similar properties. This amino acid position is conserved. In addition, this alteration is predicted to be tolerated by in silico analysis. Based on the available evidence, the clinical significance of this alteration remains unclear.

NM_001943.5(DSG2):c.2425G>A (p.Ala809Thr)

Genes: DSG2 (desmoglein 2; plus strand), DSG2-AS1 (DSG2 antisense RNA 1; minus strand). Cytogenetic location: 18q12.1.
Variant type: single nucleotide variant.
Coding change: c.2425G>A on transcript NM_001943.5 (MANE Select); coding-DNA position 2425, G replaced by A.
Protein change: p.Ala809Thr; replaces alanine 809 with threonine.
Molecular consequence: missense variant. On other transcripts: non-coding transcript variant (1).
Genome position (GRCh38, 1-based): chr18:31,545,811, G>A. VCF-style: chr18-31545811-G-A. GRCh37 (hg19) VCF-style: chr18-29125774-G-A.
Other names: short protein forms A809T.
Identifiers: ClinVar variation 3273853 (VCV003273853.1).